The following is an entry in ClinVar:

NM_014467.3(SRPX2):c.1238G>A (p.Arg413His)

Gene: SRPX2 (sushi repeat containing protein X-linked 2; plus strand). Cytogenetic location: Xq22.1.
Variant type: single nucleotide variant.
Coding change: c.1238G>A on transcript NM_014467.3 (MANE Select); coding-DNA position 1238, G replaced by A.
Protein change: p.Arg413His; replaces arginine 413 with histidine.
Molecular consequence: missense variant.
Genome position (GRCh38, 1-based): chrX:100,670,827, G>A. VCF-style: chrX-100670827-G-A. GRCh37 (hg19) VCF-style: chrX-99925824-G-A.
Other names: short protein forms R413H.
Identifiers: ClinVar variation 566880 (VCV000566880.12), dbSNP rs761966457, ClinGen allele CA10469690.
Genomic context (GRCh38, chrX:100,670,827, plus strand): 5'-CCAGACAAGGTCTCATACCTCCCTGGGCTGTTCTCTCTAGGCAATTTCAGCGCCTCACTC[G>A]CTCCTACTTCAACATGGTGTTGATTGACAAGCAGGGTATTGACCGAGACCGCTACATGGA-3'
Protein context (NP_055282.1, residues 403-423): EELRQFQRLT[Arg413His]SYFNMVLIDK

ClinVar aggregate classification (germline): Uncertain significance. Review status: criteria provided, multiple submitters, no conflicts (2 of 4 stars). 2 submissions from 2 submitters: Uncertain significance (2). Last evaluated 2022-11-01.

Conditions:
Rolandic epilepsy, impaired intellectual development, and speech dyspraxia, X-linked. Also called: Rolandic epilepsy, intellectual disability, and speech dyspraxia, X-linked; Rolandic epilepsy, impaired intellectual development, and speech dyspraxia. Identifiers: MedGen C1845070, MONDO:0010388, OMIM 300643.

Allele frequency attached by ClinVar (database versions not stated): gnomAD 0.00002 and 0.00001; TOPMed below 0.00001; gnomAD exomes 0.00004 and 0.00009; ExAC 0.00005.
gnomAD v4.1: 41 of 1,209,214 alleles (0.0034%); highest among the groups gnomAD compares: South Asian, 0.063%; no homozygotes.

Submissions (2):

Labcorp Genetics (formerly Invitae), Labcorp
Classification: Uncertain significance for Rolandic epilepsy, impaired intellectual development, and speech dyspraxia, X-linked. Last evaluated: 2022-11-01. Review status: criteria provided, single submitter. Criteria: Invitae Variant Classification Sherloc (09022015). Collection method: clinical testing. Allele origin: germline.
Comment: This sequence change replaces arginine, which is basic and polar, with histidine, which is basic and polar, at codon 413 of the SRPX2 protein (p.Arg413His). This variant is present in population databases (rs761966457, gnomAD 0.07%), and has an allele count higher than expected for a pathogenic variant. This variant has not been reported in the literature in individuals affected with SRPX2-related conditions. ClinVar contains an entry for this variant (Variation ID: 566880). Advanced modeling of protein sequence and biophysical properties (such as structural, functional, and spatial information, amino acid conservation, physicochemical variation, residue mobility, and thermodynamic stability) performed at Invitae indicates that this missense variant is not expected to disrupt SRPX2 protein function. In summary, the available evidence is currently insufficient to determine the role of this variant in disease. Therefore, it has been classified as a Variant of Uncertain Significance.

Ambry Genetics
Classification: Uncertain significance. Last evaluated: 2022-07-20. Review status: criteria provided, single submitter. Criteria: Ambry Variant Classification Scheme 2023. Collection method: clinical testing. Allele origin: germline.